The following is an entry in ClinVar:

NM_012155.4(EML2):c.1632G>A (p.Ala544=)

Gene: EML2 (EMAP like 2; minus strand). Cytogenetic location: 19q13.32.
Variant type: single nucleotide variant.
Coding change: c.1632G>A on transcript NM_012155.4 (MANE Select); coding-DNA position 1632, G replaced by A.
Protein change: p.Ala544=; no amino-acid change (alanine 544 retained).
Molecular consequence: synonymous variant. On other transcripts: non-coding transcript variant (5).
Genome position (GRCh38, 1-based): chr19:45,614,666, C>T on the plus strand (G>A on the coding strand, the complement: EML2 is on the minus strand). VCF-style: chr19-45614666-C-T. GRCh37 (hg19) VCF-style: chr19-46117924-C-T.
Other names: c.2235G>A, p.Ala745= (NM_001193268.3); c.2073G>A, p.Ala691= (NM_001193269.2); c.1284G>A, p.Ala428= (NM_001352051.2); c.2232G>A, p.Ala744= (NM_001352052.1); c.2070G>A, p.Ala690= (NM_001352053.2); c.1566G>A, p.Ala522= (NM_001352054.2).
Identifiers: ClinVar variation 2650119 (VCV002650119.24), dbSNP rs750362474, ClinGen allele CA9517833.

ClinVar aggregate classification (germline): Likely benign (1 of 4 stars; one submission).

Allele frequency attached by ClinVar (database versions not stated): TOPMed 0.00018; ExAC 0.00007; gnomAD 0.00015.
gnomAD v4.1: 63 of 1,613,926 alleles (0.0039%); highest among the groups gnomAD compares: Admixed American, 0.067%; no homozygotes.

Submission:

CeGaT Center for Human Genetics Tuebingen
Classification: Likely benign. Last evaluated: 2022-05-01. Review status: criteria provided, single submitter. Criteria: CeGaT Center For Human Genetics Tuebingen Variant Classification Criteria Version 2. Collection method: clinical testing. Allele origin: germline. Affected: yes. Observed: 1 variant allele.
Comment: EML2: BP4, BP7